The following is an entry in ClinVar:

ClinVar aggregate classification (germline): Likely benign. Review status: criteria provided, single submitter (1 of 4 stars). 2 submissions from 2 submitters: Likely benign (1). 1 of the submissions does not count toward it. Last evaluated 2023-03-23.

Conditions:
Familial cancer of breast. Also called: BREAST CANCER, FAMILIAL; Hereditary breast cancer; hereditary breast carcinoma. Identifiers: Orphanet 227535, MedGen C0346153, MONDO:0016419, OMIM 114480. Disease mechanism: loss of function.
Hereditary cancer-predisposing syndrome. Also called: Neoplastic Syndromes, Hereditary; Hereditary neoplastic syndrome; Tumor predisposition; Hereditary Cancer Syndrome. Identifiers: Orphanet 140162, MedGen C0027672, MeSH D009386, MONDO:0015356.

Submissions (2):

University of Washington Department of Laboratory Medicine, University of Washington
Classification: Likely benign for Hereditary cancer-predisposing syndrome. Last evaluated: 2023-03-23. Review status: criteria provided, single submitter. Criteria: Dines et al. (Genet Med. 2020). Collection method: curation. Allele origin: germline.
Comment: Missense variant in a coldspot region where missense variants are very unlikely to be pathogenic (PMID:31911673).

BRCA1 coldspot (exon 11 using historical exon numbering). Reclassification based on statistical prior probability

ClinVar Staff, National Center for Biotechnology Information (NCBI)
No classification provided. Condition: Familial cancer of breast. Review status: no classification provided. Collection method: literature only. Allele origin: germline. Affected: yes. Not counted in ClinVar's aggregate classification.

Literature cited by the submitters: PubMed 18835712 (cited by ClinVar Staff, National Center for Biotechnology Information (NCBI)).

NM_007294.4(BRCA1):c.3758C>A (p.Ser1253Tyr)

Genes: BRCA1 (BRCA1 DNA repair associated; minus strand), LOC126862571 (BRD4-independent group 4 enhancer GRCh37_chr17:41243136-41244335; plus strand). Cytogenetic location: 17q21.31.
Variant type: single nucleotide variant.
Coding change: c.3758C>A on transcript NM_007294.4 (MANE Select); coding-DNA position 3758, C replaced by A.
Protein change: p.Ser1253Tyr; replaces serine 1253 with tyrosine.
Molecular consequence: missense variant. On other transcripts: intron variant (135).
Genome position (GRCh38, 1-based): chr17:43,091,773, G>T on the plus strand (C>A on the coding strand, the complement: BRCA1 is on the minus strand). VCF-style: chr17-43091773-G-T. GRCh37 (hg19) VCF-style: chr17-41243790-G-T.
Other names: c.3545C>A, p.Ser1182Tyr (NM_001407571.1, NM_001407853.1, NM_001407894.1 and 9 more transcripts); c.3758C>A, p.Ser1253Tyr (NM_001407581.1, NM_001407582.1, NM_001407583.1 and 30 more transcripts); c.3755C>A, p.Ser1252Tyr (NM_001407587.1, NM_001407590.1, NM_001407591.1 and 22 more transcripts); c.3749C>A, p.Ser1250Tyr (NM_001407646.1, NM_001407647.1); c.3635C>A, p.Ser1212Tyr (NM_001407648.1, NM_001407664.1, NM_001407665.1 and 19 more transcripts); c.3632C>A, p.Ser1211Tyr (NM_001407649.1, NM_001407670.1, NM_001407671.1 and 11 more transcripts); c.3680C>A, p.Ser1227Tyr (NM_001407653.1, NM_001407654.1, NM_001407655.1 and 4 more transcripts); c.3677C>A, p.Ser1226Tyr (NM_001407659.1, NM_001407660.1, NM_001407661.1 and 1 more transcripts); and 41 more; short protein forms S1253Y, S1206Y, S1142Y, S1165Y, S1183Y, S1227Y, S1252Y, S1126Y.
Identifiers: ClinVar variation 54990 (VCV000054990.4), dbSNP rs397509100, ClinGen allele CA002408.